The following is an entry in ClinVar:

ClinVar aggregate classification (germline): Uncertain significance. Review status: criteria provided, multiple submitters, no conflicts (2 of 4 stars). 2 submissions from 2 submitters: Uncertain significance (2). Last evaluated 2022-06-03.

Conditions:
Thrombomodulin-related bleeding disorder (THPH12). Also called: Thrombophilia due to thrombomodulin defect. Identifiers: Orphanet 436169, MedGen C3280976, MONDO:0013775, OMIM 614486.
Atypical hemolytic-uremic syndrome with thrombomodulin anomaly. Also called: HEMOLYTIC UREMIC SYNDROME, ATYPICAL, SUSCEPTIBILITY TO, 6; AHUS, SUSCEPTIBILITY TO, 6. Identifiers: MedGen C2752036, MONDO:0013044, OMIM 612926. Disease mechanism: gain of function.

Allele frequency attached by ClinVar (database versions not stated): ESP Exome Variant Server 0.00008.

Submissions (2):

Labcorp Genetics (formerly Invitae), Labcorp
Classification: Uncertain significance. Last evaluated: 2022-06-03. Review status: criteria provided, single submitter. Criteria: Invitae Variant Classification Sherloc (09022015). Collection method: clinical testing. Allele origin: germline.
Comment: This sequence change replaces proline, which is neutral and non-polar, with serine, which is neutral and polar, at codon 300 of the THBD protein (p.Pro300Ser). This variant is present in population databases (rs199987510, gnomAD 0.003%). This variant has not been reported in the literature in individuals affected with THBD-related conditions. ClinVar contains an entry for this variant (Variation ID: 1363660). Algorithms developed to predict the effect of missense changes on protein structure and function output the following: SIFT: "Tolerated"; PolyPhen-2: "Benign"; Align-GVGD: "Class C0". The serine amino acid residue is found in multiple mammalian species, which suggests that this missense change does not adversely affect protein function. In summary, the available evidence is currently insufficient to determine the role of this variant in disease. Therefore, it has been classified as a Variant of Uncertain Significance.

Fulgent Genetics
Classification: Uncertain significance for Atypical hemolytic-uremic syndrome with thrombomodulin anomaly; Thrombomodulin-related bleeding disorder. Last evaluated: 2022-03-22. Review status: criteria provided, single submitter. Criteria: ACMG Guidelines, 2015. Collection method: clinical testing. Allele origin: unknown.

NM_000361.3(THBD):c.898C>T (p.Pro300Ser)

Gene: THBD (thrombomodulin; minus strand). Cytogenetic location: 20p11.21.
Variant type: single nucleotide variant.
Coding change: c.898C>T on transcript NM_000361.3 (MANE Select); coding-DNA position 898, C replaced by T.
Protein change: p.Pro300Ser; replaces proline 300 with serine.
Molecular consequence: missense variant.
Genome position (GRCh38, 1-based): chr20:23,048,607, G>A on the plus strand (C>T on the coding strand, the complement: THBD is on the minus strand). VCF-style: chr20-23048607-G-A. GRCh37 (hg19) VCF-style: chr20-23029244-G-A.
Other names: short protein forms P300S.
Identifiers: ClinVar variation 1363660 (VCV001363660.9), dbSNP rs199987510, ClinGen allele CA9787666.